The following is an entry in ClinVar:

ClinVar aggregate classification (germline): Uncertain significance. Review status: criteria provided, multiple submitters, no conflicts (2 of 4 stars). 2 submissions from 2 submitters: Uncertain significance (2). Last evaluated 2025-08-18.

Conditions:
Emery-Dreifuss muscular dystrophy (EDMD). Also called: Scapuloperoneal syndrome, X-linked (formerly); Humeroperoneal neuromuscular disease, (formerly). Identifiers: Orphanet 261, MedGen C0410189, MONDO:0016830.

Allele frequency attached by ClinVar (database versions not stated): TOPMed below 0.00001; gnomAD exomes 0.00001.
gnomAD v4.1: 14 of 1,611,926 alleles (0.00087%); highest among the groups gnomAD compares: Middle Eastern, 0.017%; 1 homozygote.

Submissions (2):

Labcorp Genetics (formerly Invitae), Labcorp
Classification: Uncertain significance for Emery-Dreifuss muscular dystrophy. Last evaluated: 2025-08-18. Review status: criteria provided, single submitter. Criteria: Invitae Variant Classification Sherloc (09022015). Collection method: clinical testing. Allele origin: germline.
Comment: This sequence change replaces arginine, which is basic and polar, with histidine, which is basic and polar, at codon 338 of the SUN2 protein (p.Arg338His). This variant is present in population databases (no rsID available, gnomAD 0.007%). This variant has not been reported in the literature in individuals affected with SUN2-related conditions. ClinVar contains an entry for this variant (Variation ID: 2151422). An algorithm developed to predict the effect of missense changes on protein structure and function (PolyPhen-2) suggests that this variant is likely to be disruptive. In summary, the available evidence is currently insufficient to determine the role of this variant in disease. Therefore, it has been classified as a Variant of Uncertain Significance.

Ambry Genetics
Classification: Uncertain significance. Last evaluated: 2023-07-25. Review status: criteria provided, single submitter. Criteria: Ambry Variant Classification Scheme 2023. Collection method: clinical testing. Allele origin: germline.

NM_015374.3(SUN2):c.1013G>A (p.Arg338His)

Genes: GTPBP1 (GTP binding protein 1; plus strand), SUN2 (Sad1 and UNC84 domain containing 2; minus strand). Cytogenetic location: 22q13.1.
Variant type: single nucleotide variant.
Coding change: c.1013G>A on transcript NM_015374.3 (MANE Select); coding-DNA position 1013, G replaced by A.
Protein change: p.Arg338His; replaces arginine 338 with histidine.
Molecular consequence: missense variant. On other transcripts: intron variant (3).
Genome position (GRCh38, 1-based): chr22:38,742,356, C>T on the plus strand (G>A on the coding strand, the complement: SUN2 is on the minus strand). VCF-style: chr22-38742356-C-T. GRCh37 (hg19) VCF-style: chr22-39138361-C-T.
Other names: c.1013G>A (NM_015374.2); c.1076G>A, p.Arg359His (NM_001199579.2, NM_001394428.1); c.1013G>A, p.Arg338His (NM_001199580.2, NM_001394431.1, NM_001394432.1 and 5 more transcripts); c.1106G>A, p.Arg369His (NM_001394427.1); c.1058G>A, p.Arg353His (NM_001394429.1, NM_001394430.1); c.923G>A, p.Arg308His (NM_001394438.1); c.875G>A, p.Arg292His (NM_001394439.1, NM_001394440.1, NM_001394441.1); c.521G>A, p.Arg174His (NM_001394443.1); and 2 more; short protein forms R292H, R353H, R369H, R174H, R338H, R359H, R308H.
Identifiers: ClinVar variation 2151422 (VCV002151422.6), dbSNP rs1454092703, ClinGen allele CA411585258.